The following is an entry in ClinVar:

NM_000051.4(ATM):c.7545A>G (p.Lys2515=)

Genes: ATM (ATM serine/threonine kinase; plus strand), C11orf65 (chromosome 11 open reading frame 65; minus strand). Cytogenetic location: 11q22.3.
Variant type: single nucleotide variant.
Coding change: c.7545A>G on transcript NM_000051.4 (MANE Select); coding-DNA position 7545, A replaced by G.
Protein change: p.Lys2515=; no amino-acid change (lysine 2515 retained).
Molecular consequence: synonymous variant. On other transcripts: non-coding transcript variant (1), intron variant (2).
Genome position (GRCh38, 1-based): chr11:108,331,473, A>G. VCF-style: chr11-108331473-A-G. GRCh37 (hg19) VCF-style: chr11-108202200-A-G.
Other names: c.7545A>G, p.Lys2515= (NM_001351834.2); c.641-22402T>C (NM_001330368.2); c.*38+3747T>C (NM_001351110.2).
Identifiers: ClinVar variation 524485 (VCV000524485.16), dbSNP rs1467809725, ClinGen allele CA476677040.

ClinVar aggregate classification (germline): Benign/Likely benign. Review status: criteria provided, multiple submitters, no conflicts (2 of 4 stars). 4 submissions from 4 submitters: Benign (1); Likely benign (3). Last evaluated 2025-04-03.

Conditions:
Hereditary cancer-predisposing syndrome. Also called: Hereditary Cancer Syndrome; Neoplastic Syndromes, Hereditary; Tumor predisposition; Hereditary neoplastic syndrome. Identifiers: Orphanet 140162, MedGen C0027672, MeSH D009386, MONDO:0015356.
Familial cancer of breast. Also called: BREAST CANCER, FAMILIAL; Hereditary breast cancer; hereditary breast carcinoma. Identifiers: Orphanet 227535, MedGen C0346153, MONDO:0016419, OMIM 114480. Disease mechanism: loss of function.
Ataxia-telangiectasia syndrome (AT). Also called: Cerebello-oculocutaneous telangiectasia; Immunodeficiency with ataxia telangiectasia; Ataxia-telangiectasia, complementation group E; Ataxia-telangiectasia, complementation group D; AT, COMPLEMENTATION GROUP C; ATAXIA-TELANGIECTASIA, COMPLEMENTATION GROUP A. Identifiers: Orphanet 100, MedGen C0004135, MONDO:0008840, OMIM 208900.

Allele frequency attached by ClinVar (database versions not stated): gnomAD exomes 0.00001 and below 0.00001.
gnomAD v4.1: 3 of 1,613,426 alleles (0.00019%); highest among the groups gnomAD compares: East Asian, 0.0067%; no homozygotes.

Submissions (4):

Labcorp Genetics (formerly Invitae), Labcorp
Classification: Likely benign for Ataxia-telangiectasia syndrome. Last evaluated: 2025-04-03. Review status: criteria provided, single submitter. Criteria: Invitae Variant Classification Sherloc (09022015). Collection method: clinical testing. Allele origin: germline.

Myriad Genetics, Inc.
Classification: Benign for Familial cancer of breast. Last evaluated: 2024-06-14. Review status: criteria provided, single submitter. Criteria: Myriad Autosomal Dominant, Autosomal Recessive and X-Linked Classification Criteria (2023). Collection method: clinical testing. Allele origin: unknown.
Comment: This variant is considered benign. This variant is a silent/synonymous amino acid change and it is not expected to impact splicing.

Color Diagnostics, LLC DBA Color Health
Classification: Likely benign for Hereditary cancer-predisposing syndrome. Last evaluated: 2017-01-19. Review status: criteria provided, single submitter. Criteria: ACMG Guidelines, 2015. Collection method: clinical testing. Allele origin: germline.

Ambry Genetics
Classification: Likely benign for Hereditary cancer-predisposing syndrome. Last evaluated: 2015-10-23. Review status: criteria provided, single submitter. Criteria: Ambry Variant Classification Scheme 2023. Collection method: clinical testing. Allele origin: germline.